The following is an entry in ClinVar:

ClinVar aggregate classification (germline): Benign/Likely benign. Review status: criteria provided, multiple submitters, no conflicts (2 of 4 stars). 12 submissions from 12 submitters: Benign (5); Likely benign (4). 3 of the submissions do not count toward it. Last evaluated 2026-02-04.

Conditions:
Primary hyperoxaluria, type I (HP1). Also called: GLYCOLIC ACIDURIA; HEPATIC AGT DEFICIENCY; OXALOSIS I; Primary hyperoxaluria type 1. Identifiers: Orphanet 416, Orphanet 93598, MedGen C0268164, MONDO:0009823, OMIM 259900. Disease mechanism: loss of function.

Allele frequency attached by ClinVar (database versions not stated): 1000 Genomes Project 30x 0.07995; TOPMed 0.13754; 1000 Genomes Project 0.08087.
gnomAD v4.1: 291,944 of 1,612,864 alleles (18%); highest among the groups gnomAD compares: Non-Finnish European, 21%; 29,291 homozygotes.

Submissions (12):

Labcorp Genetics (formerly Invitae), Labcorp
Classification: Benign. Last evaluated: 2026-02-04. Review status: criteria provided, single submitter. Criteria: Invitae Variant Classification Sherloc (09022015). Collection method: clinical testing. Allele origin: germline.

Clinical Biochemistry Laboratory, Health Services Laboratory
Classification: Likely benign for Primary hyperoxaluria, type I. Last evaluated: 2023-12-23. Review status: criteria provided, single submitter. Criteria: ACMG Guidelines, 2015. Collection method: clinical testing. Allele origin: germline. Affected: yes.
Comment: c.32C>T, although a common polymorphic variant with approximately 64% activity in vitro (PMID:10960483), it can influence the pathogenicity of some AGXT variants, for example see c.836T>C

Women's Health and Genetics/Laboratory Corporation of America, LabCorp
Classification: Benign. Last evaluated: 2023-02-24. Review status: criteria provided, single submitter. Criteria: LabCorp Variant Classification Summary - May 2015. Collection method: clinical testing. Allele origin: germline.
Comment: Variant summary: AGXT c.32C>T (p.Pro11Leu) results in a non-conservative amino acid change in the encoded protein sequence. Three of five in-silico tools predict a damaging effect of the variant on protein function. The variant allele was found at a frequency of 0.15 in 246868 control chromosomes, predominantly at a frequency of 0.2 within the Non-Finnish European subpopulation in the gnomAD database, including 2253 homozygotes. The observed variant frequency within Non-Finnish European control individuals in the gnomAD database is approximately 101 fold of the estimated maximal expected allele frequency for a pathogenic variant in AGXT causing Primary Hyperoxaluria Type 1 phenotype (0.0024), strongly suggesting that the variant is a benign polymorphism found primarily in populations of Non-Finnish European origin. However, the variant, c.32C>T, has also been reported in the literature in multiple individuals affected with Primary Hyperoxaluria Type 1, together with two pathogenic variants (VanWoerden_2004, Lorenzo_2006, Kanoun_2013, Ahmed_2022). Clinical and functional data show that this variant leads to a synergistic effect with some common pathogenic variants (e.g. Gly170Arg and p.Ile244Thr), and the presence of this variant in the same chromosome (in cis) is required for their loss of function effect (Lumb_2000, Santana_2003, Monico_2007). Four ClinVar submitters (evaluation after 2014) cite this variant as benign (n=2) and likely benign (n=2). Based on the evidence outlined above, the variant was classified as benign.

Mayo Clinic Laboratories, Mayo Clinic
Classification: Benign. Last evaluated: 2022-09-23. Review status: criteria provided, single submitter. Criteria: ACMG Guidelines, 2015. Collection method: clinical testing. Allele origin: germline. Observed: 60 variant alleles.
Comment: BA1

Fulgent Genetics
Classification: Likely benign for Primary hyperoxaluria, type I. Last evaluated: 2021-09-29. Review status: criteria provided, single submitter. Criteria: ACMG Guidelines, 2015. Collection method: clinical testing. Allele origin: unknown.

Illumina Laboratory Services, Illumina
Classification: Likely benign for Primary hyperoxaluria, type I. Last evaluated: 2017-04-27. Review status: criteria provided, single submitter. Criteria: ICSL Variant Classification Criteria 13 December 2019. Collection method: clinical testing. Allele origin: germline.
Comment: This variant was observed as part of a predisposition screen in an ostensibly healthy population. A literature search was performed for the gene, cDNA change, and amino acid change (where applicable). No publications were found based on this search. Allele frequency data from public databases allowed determination this variant is unlikely to cause disease. Therefore, this variant is classified as likely benign.

Eurofins Ntd Llc (ga)
Classification: Benign. Last evaluated: 2014-09-24. Review status: criteria provided, single submitter. Criteria: EGL Classification Definitions 2015. Collection method: clinical testing. Allele origin: germline.

Breakthrough Genomics
Classification: Likely benign. Review status: criteria provided, single submitter. Criteria: ACMG Guidelines, 2015. Collection method: not provided. Allele origin: germline. Inheritance: Autosomal recessive inheritance. Affected: yes.

PreventionGenetics, part of Exact Sciences
Classification: Benign. Review status: criteria provided, single submitter. Criteria: ACMG Guidelines, 2015. Collection method: clinical testing. Allele origin: germline.

Natera, Inc.
Classification: Benign for Primary hyperoxaluria type I. Last evaluated: 2020-01-10. Review status: no assertion criteria provided. Collection method: clinical testing. Allele origin: germline. Not counted in ClinVar's aggregate classification.

OMIM
Classification: Benign for RECLASSIFIED - AGXT POLYMORPHISM. Last evaluated: 2013-01-25. Review status: no assertion criteria provided. Collection method: literature only. Allele origin: germline. Not counted in ClinVar's aggregate classification.

GeneReviews
No classification provided. Condition: Primary hyperoxaluria, type I. Review status: no classification provided. Collection method: literature only. Allele origin: germline. Affected: yes. Not counted in ClinVar's aggregate classification.
Comment: One of the variants that defines the haplotype "minor AGXT allele"

Literature cited by the submitters: PubMed 1703535 (cited by Clinical Biochemistry Laboratory, Health Services Laboratory and OMIM); PubMed 10960483 (cited by 3 submitters); PubMed 23229545 (cited by Clinical Biochemistry Laboratory, Health Services Laboratory and OMIM); PubMed 17460142 (cited by Women's Health and Genetics/Laboratory Corporation of America, LabCorp); PubMed 12777626 (cited by Women's Health and Genetics/Laboratory Corporation of America, LabCorp); PubMed 24012869 (cited by Women's Health and Genetics/Laboratory Corporation of America, LabCorp); PubMed 16912707 (cited by Women's Health and Genetics/Laboratory Corporation of America, LabCorp); PubMed 15253729 (cited by Women's Health and Genetics/Laboratory Corporation of America, LabCorp); PubMed 33408043 (cited by Women's Health and Genetics/Laboratory Corporation of America, LabCorp); PubMed 35661454 (cited by Women's Health and Genetics/Laboratory Corporation of America, LabCorp); PubMed 15464418 (cited by OMIM); PubMed 1961759 (cited by OMIM); PubMed 17110443 (cited by OMIM); PubMed 19479957 (cited by OMIM); NCBI Bookshelf NBK1283 (cited by GeneReviews).

NM_000030.3(AGXT):c.32C>T (p.Pro11Leu)

Gene: AGXT (alanine--glyoxylate aminotransferase; plus strand). Cytogenetic location: 2q37.3.
Variant type: single nucleotide variant.
Coding change: c.32C>T on transcript NM_000030.3 (MANE Select); coding-DNA position 32, C replaced by T.
Protein change: p.Pro11Leu; replaces proline 11 with leucine.
Molecular consequence: missense variant.
Genome position (GRCh38, 1-based): chr2:240,868,897, C>T. VCF-style: chr2-240868897-C-T. GRCh37 (hg19) VCF-style: chr2-241808314-C-T.
Other names: AGXT, PRO11LEU (rs34116584); short protein forms P11L.
Identifiers: ClinVar variation 5641 (VCV000005641.29), dbSNP rs34116584, ClinGen allele CA200272.
Genomic context (GRCh38, chr2:240,868,897, plus strand): 5'-GTTCCCGAGCGGCAGGTTGGGTGCGGACCATGGCCTCTCACAAGCTGCTGGTGACCCCCC[C>T]CAAGGCCCTGCTCAAGCCCCTCTCCATCCCCAACCAGCTCCTGCTGGGGCCTGGTCCTTC-3'
Protein context (NP_000021.1, residues 1-21): MASHKLLVTP[Pro11Leu]KALLKPLSIP